The following is an entry in ClinVar:

NM_001876.4(CPT1A):c.1875+5T>C

Gene: CPT1A (carnitine palmitoyltransferase 1A; minus strand). Cytogenetic location: 11q13.3.
Variant type: single nucleotide variant.
Coding change: c.1875+5T>C on transcript NM_001876.4 (MANE Select); 5 bases into the intron after coding-DNA position 1875, T replaced by C.
Molecular consequence: intron variant.
Genome position (GRCh38, 1-based): chr11:68,762,622, A>G on the plus strand (T>C on the coding strand, the complement: CPT1A is on the minus strand). VCF-style: chr11-68762622-A-G. GRCh37 (hg19) VCF-style: chr11-68530090-A-G.
Other names: c.1875+5T>C (NM_001031847.3).
Identifiers: ClinVar variation 2071892 (VCV002071892.2), dbSNP rs768623327, ClinGen allele CA6152175.

ClinVar aggregate classification (germline): Uncertain significance. Review status: criteria provided, multiple submitters, no conflicts (2 of 4 stars). 2 submissions from 2 submitters: Uncertain significance (2). Last evaluated 2025-12-11.

Conditions:
Carnitine palmitoyl transferase 1A deficiency. Also called: Carnitine palmitoyltransferase type I deficiency; CPT I DEFICIENCY; CPT DEFICIENCY, HEPATIC, TYPE I; Carnitine palmitoyltransferase 1A deficiency; CPT deficiency, hepatic, type IA. Identifiers: Orphanet 156, MedGen C1829703, MONDO:0009705, OMIM 255120.

Allele frequency attached by ClinVar (database versions not stated): gnomAD 0.00001; ExAC 0.00002; TOPMed 0.00002; gnomAD exomes 0.00003.
gnomAD v4.1: 50 of 1,613,408 alleles (0.0031%); highest among the groups gnomAD compares: Non-Finnish European, 0.0038%; no homozygotes.

Submissions (2):

Women's Health and Genetics/Laboratory Corporation of America, LabCorp
Classification: Uncertain significance. Last evaluated: 2025-12-11. Review status: criteria provided, single submitter. Criteria: LabCorp Variant Classification Summary - May 2015. Collection method: clinical testing. Allele origin: germline.

Labcorp Genetics (formerly Invitae), Labcorp
Classification: Uncertain significance for Carnitine palmitoyl transferase 1A deficiency. Last evaluated: 2021-11-26. Review status: criteria provided, single submitter. Criteria: Invitae Variant Classification Sherloc (09022015). Collection method: clinical testing. Allele origin: germline.
Comment: This sequence change falls in intron 15 of the CPT1A gene. It does not directly change the encoded amino acid sequence of the CPT1A protein. It affects a nucleotide within the consensus splice site. This variant is present in population databases (rs768623327, gnomAD 0.004%). This variant has not been reported in the literature in individuals affected with CPT1A-related conditions. Variants that disrupt the consensus splice site are a relatively common cause of aberrant splicing (PMID: 17576681, 9536098). Algorithms developed to predict the effect of sequence changes on RNA splicing suggest that this variant is not likely to affect RNA splicing. In summary, the available evidence is currently insufficient to determine the role of this variant in disease. Therefore, it has been classified as a Variant of Uncertain Significance.

Literature cited by the submitters: PubMed 17576681 (cited by Labcorp Genetics (formerly Invitae), Labcorp); PubMed 9536098 (cited by Labcorp Genetics (formerly Invitae), Labcorp).